The following is an entry in ClinVar:

ClinVar aggregate classification (germline): Uncertain significance (1 of 4 stars; one submission).

Allele frequency attached by ClinVar (database versions not stated): ExAC 0.00007; gnomAD 0.00007; TOPMed 0.00007; ESP Exome Variant Server 0.00015; gnomAD exomes 0.00030.

Submission:

Labcorp Genetics (formerly Invitae), Labcorp
Classification: Uncertain significance. Last evaluated: 2024-02-02. Review status: criteria provided, single submitter. Criteria: Invitae Variant Classification Sherloc (09022015). Collection method: clinical testing. Allele origin: germline.
Comment: This sequence change replaces arginine, which is basic and polar, with tryptophan, which is neutral and slightly polar, at codon 69 of the ZHX3 protein (p.Arg69Trp). This variant is present in population databases (rs139157503, gnomAD 0.02%). This missense change has been observed in individual(s) with hypertriglyceridemia (PMID: 22135386). An algorithm developed to predict the effect of missense changes on protein structure and function (PolyPhen-2) suggests that this variant is likely to be disruptive. In summary, the available evidence is currently insufficient to determine the role of this variant in disease. Therefore, it has been classified as a Variant of Uncertain Significance.

Literature cited by the submitters: PubMed 22135386.

NM_001384317.1(ZHX3):c.205C>T (p.Arg69Trp)

Gene: ZHX3 (zinc fingers and homeoboxes 3; minus strand). Cytogenetic location: 20q12.
Variant type: single nucleotide variant.
Coding change: c.205C>T on transcript NM_001384317.1 (MANE Select); coding-DNA position 205, C replaced by T.
Protein change: p.Arg69Trp; replaces arginine 69 with tryptophan.
Molecular consequence: missense variant.
Genome position (GRCh38, 1-based): chr20:41,204,712, G>A on the plus strand (C>T on the coding strand, the complement: ZHX3 is on the minus strand). VCF-style: chr20-41204712-G-A. GRCh37 (hg19) VCF-style: chr20-39833352-G-A.
Other names: c.205C>T, p.Arg69Trp (NM_001384315.1, NM_001384316.1, NM_001384318.1 and 8 more transcripts); short protein forms R69W.
Identifiers: ClinVar variation 2736966 (VCV002736966.3), dbSNP rs139157503, ClinGen allele CA9860151.